The following is an entry in ClinVar:

NM_006506.5(RASA2):c.656C>T (p.Pro219Leu)

Gene: RASA2 (RAS p21 protein activator 2; plus strand). Cytogenetic location: 3q23.
Variant type: single nucleotide variant.
Coding change: c.656C>T on transcript NM_006506.5 (MANE Select); coding-DNA position 656, C replaced by T.
Protein change: p.Pro219Leu; replaces proline 219 with leucine.
Molecular consequence: missense variant.
Genome position (GRCh38, 1-based): chr3:141,555,884, C>T. VCF-style: chr3-141555884-C-T. GRCh37 (hg19) VCF-style: chr3-141274726-C-T.
Other names: c.656C>T, p.Pro219Leu (NM_001303245.3, NM_001303246.3); short protein forms P219L.
Identifiers: ClinVar variation 984494 (VCV000984494.9), dbSNP rs944578775, ClinGen allele CA84638887.

ClinVar aggregate classification (germline): Uncertain significance. Review status: criteria provided, multiple submitters, no conflicts (2 of 4 stars). 2 submissions from 2 submitters: Uncertain significance (2). Last evaluated 2026-05-11.

Allele frequency attached by ClinVar (database versions not stated): gnomAD exomes 0.00002 and 0.00001; gnomAD 0.00004 and 0.00003; TOPMed 0.00012.
gnomAD v4.1: 32 of 1,611,142 alleles (0.002%); highest among the groups gnomAD compares: Admixed American, 0.01%; no homozygotes.

Submissions (2):

Women's Health and Genetics/Laboratory Corporation of America, LabCorp
Classification: Uncertain significance. Last evaluated: 2026-05-11. Review status: criteria provided, single submitter. Criteria: LabCorp Variant Classification Summary - May 2015. Collection method: clinical testing. Allele origin: germline.
Comment: Variant summary: RASA2 c.656C>T (p.Pro219Leu) results in a non-conservative amino acid change located in the C2 domain (IPR000008) of the encoded protein sequence. Algorithms developed to predict the effect of missense changes on protein structure and function all suggest that this variant is likely to be disruptive. The variant allele was found at a frequency of 8e-06 in 250248 control chromosomes. The available data on variant occurrences in the general population are insufficient to allow any conclusion about variant significance. To our knowledge, no occurrence of c.656C>T in individuals affected with RASA2-related conditions and no experimental evidence demonstrating its impact on protein function have been reported. ClinVar contains an entry for this variant (Variation ID: 984494). Based on the evidence outlined above, the variant was classified as uncertain significance.

Labcorp Genetics (formerly Invitae), Labcorp
Classification: Uncertain significance. Last evaluated: 2025-11-28. Review status: criteria provided, single submitter. Criteria: Invitae Variant Classification Sherloc (09022015). Collection method: clinical testing. Allele origin: germline.
Comment: This sequence change replaces proline, which is neutral and non-polar, with leucine, which is neutral and non-polar, at codon 219 of the RASA2 protein (p.Pro219Leu). This variant is present in population databases (no rsID available, gnomAD 0.007%). This variant has not been reported in the literature in individuals affected with RASA2-related conditions. ClinVar contains an entry for this variant (Variation ID: 984494). Invitae Evidence Modeling of protein sequence and biophysical properties (such as structural, functional, and spatial information, amino acid conservation, physicochemical variation, residue mobility, and thermodynamic stability) indicates that this missense variant is expected to disrupt RASA2 protein function with a positive predictive value of 80%. In summary, the available evidence is currently insufficient to determine the role of this variant in disease. Therefore, it has been classified as a Variant of Uncertain Significance.